The following is an entry in ClinVar:

ClinVar aggregate classification (germline): Pathogenic. Review status: no assertion criteria provided (0 of 4 stars). 3 submissions from 3 submitters: Pathogenic (1). 2 of the submissions do not count toward it. Last evaluated 2024-06-10.

Conditions:
Nephronophthisis 7 (NPHP7). Identifiers: Orphanet 655, MedGen C1969092, MONDO:0012680, OMIM 611498.
GLIS2-related disorder. Also called: GLIS2-related condition.
Nephronophthisis. Also called: Juvenile Nephronophthisis. Identifiers: Orphanet 655, MedGen C0687120, MONDO:0019005, HP:0000090.

Submissions (3):

PreventionGenetics, part of Exact Sciences
Classification: Pathogenic for GLIS2-related condition. Last evaluated: 2024-06-10. Review status: no assertion criteria provided. Collection method: clinical testing. Allele origin: germline.
Comment: The GLIS2 c.775+1G>T variant is predicted to disrupt the GT donor site and interfere with normal splicing. This variant has been reported as homozygous in multiple individuals with nephronophthisis from two related families (reported as IVS5+1G>T; Attanasio et al 2007. PubMed ID: 17618285). From the same study, a minigene construct has shown this variant interfered with splicing. This variant has not been reported in a large population database, indicating this variant is rare. Variants that disrupt the consensus splice donor site in GLIS2 are expected to be pathogenic. This variant is interpreted as pathogenic.

GeneReviews
No classification provided. Condition: Nephronophthisis. Review status: no classification provided. Collection method: literature only. Allele origin: germline. Affected: yes. Not counted in ClinVar's aggregate classification.

OMIM
Classification: Pathogenic for NEPHRONOPHTHISIS 7. Last evaluated: 2007-08-01. Review status: flagged submission. Collection method: literature only. Allele origin: germline. Not counted in ClinVar's aggregate classification.
ClinVar note: Notes: Flagging candidate with reason of insufficient supporting evidence. This gene has been classified as having a limited gene-disease relationship by a ClinGen Expert Panel.
ClinVar note: Reason: Other

Literature cited by the submitters: NCBI Bookshelf NBK368475 (cited by GeneReviews); PubMed 17618285 (cited by OMIM).

NM_032575.3(GLIS2):c.775+1G>T

Gene: GLIS2 (GLIS family zinc finger 2; plus strand). Cytogenetic location: 16p13.3.
Variant type: single nucleotide variant.
Coding change: c.775+1G>T on transcript NM_032575.3 (MANE Select); the canonical splice donor site of the intron after coding-DNA position 775, G replaced by T.
Molecular consequence: splice donor variant.
Genome position (GRCh38, 1-based): chr16:4,335,394, G>T. VCF-style: chr16-4335394-G-T. GRCh37 (hg19) VCF-style: chr16-4385395-G-T.
Other names: IVS5DS, G-T, +1; c.775+1G>T (NM_001318918.2).
Identifiers: ClinVar variation 242364 (VCV000242364.4), dbSNP rs878855335, ClinGen allele CA10583997.